The following is an entry in ClinVar:

ClinVar aggregate classification (germline): Uncertain significance (1 of 4 stars; one submission).

Conditions:
Dyskeratosis congenita, autosomal recessive 5 (DKCB5). Identifiers: MedGen C3554656, MONDO:0014076, OMIM 615190.
Pulmonary fibrosis and/or bone marrow failure, Telomere-related, 3. Also called: PULMONARY FIBROSIS AND/OR BONE MARROW FAILURE SYNDROME, TELOMERE-RELATED, 3. Identifiers: Orphanet 2032, MedGen C4225346, MONDO:0014613, OMIM 616373.

gnomAD v4.1: 2 of 1,611,884 alleles (0.00012%); highest among the groups gnomAD compares: Admixed American, 0.0033%; no homozygotes.

Submission:

Labcorp Genetics (formerly Invitae), Labcorp
Classification: Uncertain significance for Dyskeratosis congenita, autosomal recessive 5; Pulmonary fibrosis and/or bone marrow failure, Telomere-related, 3. Last evaluated: 2024-01-25. Review status: criteria provided, single submitter. Criteria: Invitae Variant Classification Sherloc (09022015). Collection method: clinical testing. Allele origin: germline.
Comment: This sequence change replaces glutamine, which is neutral and polar, with histidine, which is basic and polar, at codon 991 of the RTEL1 protein (p.Gln991His). This variant is present in population databases (no rsID available, gnomAD 0.003%). This variant has not been reported in the literature in individuals affected with RTEL1-related conditions. ClinVar contains an entry for this variant (Variation ID: 2419608). An algorithm developed to predict the effect of missense changes on protein structure and function (PolyPhen-2) suggests that this variant is likely to be disruptive. In summary, the available evidence is currently insufficient to determine the role of this variant in disease. Therefore, it has been classified as a Variant of Uncertain Significance.

NM_001283009.2(RTEL1):c.2973G>C (p.Gln991His)

Genes: RTEL1 (regulator of telomere elongation helicase 1; plus strand), RTEL1-TNFRSF6B (RTEL1-TNFRSF6B readthrough (NMD candidate); plus strand). Cytogenetic location: 20q13.33.
Variant type: single nucleotide variant.
Coding change: c.2973G>C on transcript NM_001283009.2 (MANE Select); coding-DNA position 2973, G replaced by C.
Protein change: p.Gln991His; replaces glutamine 991 with histidine.
Molecular consequence: missense variant. On other transcripts: non-coding transcript variant (1).
Genome position (GRCh38, 1-based): chr20:63,693,264, G>C. VCF-style: chr20-63693264-G-C. GRCh37 (hg19) VCF-style: chr20-62324617-G-C.
Other names: c.2304G>C, p.Gln768His (NM_001283010.1); c.2973G>C, p.Gln991His (NM_016434.4); c.3045G>C, p.Gln1015His (NM_032957.5); short protein forms Q1015H, Q768H, Q991H.
Identifiers: ClinVar variation 2419608 (VCV002419608.10), dbSNP rs748092893, ClinGen allele CA409683402.